The following is an entry in ClinVar:

NM_006648.4(WNK2):c.3724G>C (p.Glu1242Gln)

Gene: WNK2 (WNK lysine deficient protein kinase 2; plus strand). Cytogenetic location: 9q22.31.
Variant type: single nucleotide variant.
Coding change: c.3724G>C on transcript NM_006648.4 (MANE Select); coding-DNA position 3724, G replaced by C.
Protein change: p.Glu1242Gln; replaces glutamic acid 1242 with glutamine.
Molecular consequence: missense variant.
Genome position (GRCh38, 1-based): chr9:93,267,773, G>C. VCF-style: chr9-93267773-G-C. GRCh37 (hg19) VCF-style: chr9-96030055-G-C.
Other names: c.3724G>C, p.Glu1242Gln (NM_001282394.3); short protein forms E1242Q.
Identifiers: ClinVar variation 3470657 (VCV003470657.1).
Genomic context (GRCh38, chr9:93,267,773, plus strand): 5'-GCTGGTCCTCACTGGCAGTATGTCCCTTTGCAGGTGGAGCATGACTTTATCCTGCAGGCC[G>C]AGCGGGAAACGTTCATCGAGCAGATGAAGGATGTCATGGACAAGGCAGAGGACATGCTCA-3'
Protein context (NP_006639.3, residues 1232-1252): MVEHDFILQA[Glu1242Gln]RETFIEQMKD

ClinVar aggregate classification (germline): Uncertain significance (1 of 4 stars; one submission).

gnomAD v4.1: 1 of 1,607,274 alleles (0.000062%); no homozygotes.

Submission:

Ambry Genetics
Classification: Uncertain significance. Last evaluated: 2024-12-08. Review status: criteria provided, single submitter. Criteria: Ambry Variant Classification Scheme 2023. Collection method: clinical testing. Allele origin: germline.
Comment: The p.E1242Q variant (also known as c.3724G>C), located in coding exon 16 of the WNK2 gene, results from a G to C substitution at nucleotide position 3724. The glutamic acid at codon 1242 is replaced by glutamine, an amino acid with highly similar properties. This amino acid position is conserved. In addition, this alteration is predicted to be tolerated by in silico analysis. Based on the available evidence, the clinical significance of this variant remains unclear.